The following is an entry in ClinVar:

ClinVar aggregate classification (germline): Pathogenic. Review status: criteria provided, multiple submitters, no conflicts (2 of 4 stars). 2 submissions from 2 submitters: Pathogenic (2). Last evaluated 2025-11-10.

Conditions:
Ectopia lentis 1, isolated, autosomal dominant (ECTOL1). Identifiers: Orphanet 1885, MedGen C3541518, MONDO:0007514, OMIM 129600.

Submissions (2):

GeneDx
Classification: Pathogenic. Last evaluated: 2025-11-10. Review status: criteria provided, single submitter. Criteria: GeneDx Variant Classification Process June 2021. Collection method: clinical testing. Allele origin: germline.
Comment: Has not been previously published as pathogenic or benign to our knowledge; Not observed at significant frequency in large population cohorts (gnomAD); In silico analysis supports that this missense variant has a deleterious effect on protein structure/function; Affects a cysteine residue within an EGF-like domain of the FBN1 gene, which may affect disulfide bonding and is predicted to alter the structure and function of the protein; cysteine substitutions in the EGF-like domains represent the majority of pathogenic missense changes associated with FBN1-related disorders (PMID: 12938084); This variant is associated with the following publications: (PMID: 12938084)

Human Genetics Unit, University Of Colombo
Classification: Pathogenic for Ectopia lentis 1, isolated, autosomal dominant. Last evaluated: 2019-06-28. Review status: criteria provided, single submitter. Criteria: ACMG Guidelines, 2015. Collection method: clinical testing. Allele origin: germline. Affected: yes. Observed: 1 variant allele.
Comment: The NM_000138.5:c.355T>G, is a missense variant in FBN1 gene, which replaces cysteine with glycine at codon 119 of the FBN1 protein (p.Cys119Gly). Variant not found in gnomAD exomes, with good gnomAD exomes coverage = 81.5 [PM2_Supporting]. Prior to this submission, ClinVar classifies this variant as Pathogenic, 1 star (reviewed Nov '24, 1 submission of which 1 is from high confidence submitter) [PP5]. Two pathogenic alternative variants identified (chr15:48892423 A>G (Cys119Arg) and chr15:48892422 C>T (Cys119Tyr)) [PM5_Strong]. Hot-spot of length 17 amino-acids has 22 missense/in-frame variants (7 pathogenic variants, 15 uncertain variants, and no benign), which qualifies as moderate pathogenic [PM1_Moderate]. Multiple lines of In silico analyses supports that this variant has a deleterious effect on protein structure/function [PP3_Moderate]. In summary, this variant meets criteria to be classified as pathogenic for Ectopia Lentis Syndrome based on ACMG/AMP guidelines: PM1_Moderate, PM2_Supporting, PM5_Strong, PP3_Moderate, PP4_Moderate, and PP5.

NM_000138.5(FBN1):c.355T>G (p.Cys119Gly)

Gene: FBN1 (fibrillin 1; minus strand). Cytogenetic location: 15q21.1.
Variant type: single nucleotide variant.
Coding change: c.355T>G on transcript NM_000138.5 (MANE Select); coding-DNA position 355, T replaced by G.
Protein change: p.Cys119Gly; replaces cysteine 119 with glycine.
Molecular consequence: missense variant.
Genome position (GRCh38, 1-based): chr15:48,600,226, A>C on the plus strand (T>G on the coding strand, the complement: FBN1 is on the minus strand). VCF-style: chr15-48600226-A-C. GRCh37 (hg19) VCF-style: chr15-48892423-A-C.
Other names: c.355T>G, p.Cys119Gly (NM_001406716.1, NM_001406717.1); short protein forms C119G.
Identifiers: ClinVar variation 3381480 (VCV003381480.3).